The following is an entry in ClinVar:

NM_002206.3(ITGA7):c.1A>G (p.Met1Val)

Gene: ITGA7 (integrin subunit alpha 7; minus strand). Cytogenetic location: 12q13.2.
Variant type: single nucleotide variant.
Coding change: c.1A>G on transcript NM_002206.3 (MANE Select); coding-DNA position 1, A replaced by G.
Protein change: p.Met1Val; changes the start codon (methionine 1).
Molecular consequence: missense variant, initiator codon variant. On other transcripts: 5 prime UTR variant (1), intron variant (3).
Genome position (GRCh38, 1-based): chr12:55,707,682, T>C on the plus strand (A>G on the coding strand, the complement: ITGA7 is on the minus strand). VCF-style: chr12-55707682-T-C. GRCh37 (hg19) VCF-style: chr12-56101466-T-C.
Other names: c.1A>G, p.Met1Val (NM_001144996.2, NM_001374465.1, NM_001410977.1 and 6 more transcripts); c.-1172A>G (NM_001367994.1); c.85+4381A>G (NM_001144997.2); c.-134+4381A>G (NM_001367993.1, NM_001414035.1); short protein forms M1V.
Identifiers: ClinVar variation 2426639 (VCV002426639.6), dbSNP rs370246460, ClinGen allele CA385194430.

ClinVar aggregate classification (germline): Uncertain significance. Review status: criteria provided, multiple submitters, no conflicts (2 of 4 stars). 2 submissions from 2 submitters: Uncertain significance (2). Last evaluated 2022-07-07.

Conditions:
Congenital muscular dystrophy due to integrin alpha-7 deficiency. Also called: MYOPATHY, CONGENITAL, DUE TO INTEGRIN ALPHA-7 DEFICIENCY; Congenital muscular dystrophy with integrin alpha-7 deficiency; Muscular dystrophy, congenital, due to ITGA7 deficiency. Identifiers: Orphanet 34520, MedGen C2750786, MONDO:0013177, OMIM 613204.

Submissions (2):

Labcorp Genetics (formerly Invitae), Labcorp
Classification: Uncertain significance for Congenital muscular dystrophy due to integrin alpha-7 deficiency. Last evaluated: 2022-07-07. Review status: criteria provided, single submitter. Criteria: Invitae Variant Classification Sherloc (09022015). Collection method: clinical testing. Allele origin: germline.
Comment: This sequence change affects the initiator methionine of the ITGA7 mRNA. The next in-frame methionine is located at codon 39. This variant is not present in population databases (gnomAD no frequency). This variant has not been reported in the literature in individuals affected with ITGA7-related conditions. Experimental studies and prediction algorithms are not available or were not evaluated, and the functional significance of this variant is currently unknown. In summary, the available evidence is currently insufficient to determine the role of this variant in disease. Therefore, it has been classified as a Variant of Uncertain Significance.

Revvity Omics, Revvity
Classification: Uncertain significance for Congenital muscular dystrophy due to integrin alpha-7 deficiency. Last evaluated: 2020-01-06. Review status: criteria provided, single submitter. Criteria: ACMG Guidelines, 2015. Collection method: clinical testing. Allele origin: germline.